The following is an entry in ClinVar:

ClinVar aggregate classification (germline): Uncertain significance. Review status: criteria provided, multiple submitters, no conflicts (2 of 4 stars). 2 submissions from 2 submitters: Uncertain significance (2). Last evaluated 2025-11-17.

Allele frequency attached by ClinVar (database versions not stated): ExAC 0.00001; gnomAD exomes 0.00001.
gnomAD v4.1: 7 of 1,614,106 alleles (0.00043%); highest among the groups gnomAD compares: South Asian, 0.0077%; no homozygotes.

Submissions (2):

Ambry Genetics
Classification: Uncertain significance. Last evaluated: 2025-11-17. Review status: criteria provided, single submitter. Criteria: Ambry Variant Classification Scheme 2023. Collection method: clinical testing. Allele origin: germline.
Comment: The p.M738V variant (also known as c.2212A>G), located in coding exon 12 of the ATRIP gene, results from an A to G substitution at nucleotide position 2212. The methionine at codon 738 is replaced by valine, an amino acid with highly similar properties. This amino acid position is conserved. In addition, this alteration is predicted to be tolerated by in silico analysis. Based on the available evidence, the clinical significance of this variant remains unclear.

Labcorp Genetics (formerly Invitae), Labcorp
Classification: Uncertain significance. Last evaluated: 2023-11-28. Review status: criteria provided, single submitter. Criteria: Invitae Variant Classification Sherloc (09022015). Collection method: clinical testing. Allele origin: germline.
Comment: This sequence change replaces methionine, which is neutral and non-polar, with valine, which is neutral and non-polar, at codon 738 of the ATRIP protein (p.Met738Val). This variant is present in population databases (rs774930814, gnomAD 0.01%). This variant has not been reported in the literature in individuals affected with ATRIP-related conditions. An algorithm developed to predict the effect of missense changes on protein structure and function (PolyPhen-2) suggests that this variant is likely to be tolerated. In summary, the available evidence is currently insufficient to determine the role of this variant in disease. Therefore, it has been classified as a Variant of Uncertain Significance.

NM_130384.3(ATRIP):c.2212A>G (p.Met738Val)

Genes: ATRIP (ATR interacting protein; plus strand), ATRIP-TREX1 (ATRIP-TREX1 readthrough; plus strand). Cytogenetic location: 3p21.31.
Variant type: single nucleotide variant.
Coding change: c.2212A>G on transcript NM_130384.3 (MANE Select); coding-DNA position 2212, A replaced by G.
Protein change: p.Met738Val; replaces methionine 738 with valine.
Molecular consequence: missense variant. On other transcripts: non-coding transcript variant (1).
Genome position (GRCh38, 1-based): chr3:48,464,987, A>G. VCF-style: chr3-48464987-A-G. GRCh37 (hg19) VCF-style: chr3-48506386-A-G.
Other names: c.1831A>G, p.Met611Val (NM_001271022.2); c.1933A>G, p.Met645Val (NM_001271023.2); c.2131A>G, p.Met711Val (NM_032166.4); c.2212A>G (NM_130384.1); short protein forms M611V, M645V, M711V, M738V.
Identifiers: ClinVar variation 2788057 (VCV002788057.4), dbSNP rs774930814, ClinGen allele CA2376430.